The following is an entry in ClinVar:

NM_003334.4(UBA1):c.2069C>G (p.Ala690Gly)

Gene: UBA1 (ubiquitin like modifier activating enzyme 1; plus strand). Cytogenetic location: Xp11.3.
Variant type: single nucleotide variant.
Coding change: c.2069C>G on transcript NM_003334.4 (MANE Select); coding-DNA position 2069, C replaced by G.
Protein change: p.Ala690Gly; replaces alanine 690 with glycine.
Molecular consequence: missense variant.
Genome position (GRCh38, 1-based): chrX:47,209,993, C>G. VCF-style: chrX-47209993-C-G. GRCh37 (hg19) VCF-style: chrX-47069392-C-G.
Other names: c.2069C>G, p.Ala690Gly (NM_153280.3); short protein forms A690G.
Identifiers: ClinVar variation 3361681 (VCV003361681.1).

ClinVar aggregate classification (germline): Uncertain significance (1 of 4 stars; one submission).

Submission:

GeneDx
Classification: Uncertain significance. Last evaluated: 2023-08-07. Review status: criteria provided, single submitter. Criteria: GeneDx Variant Classification Process June 2021. Collection method: clinical testing. Allele origin: germline. Affected: yes.
Comment: Not observed at significant frequency in large population cohorts (gnomAD); Missense variants in this gene are often considered pathogenic (HGMD); In silico analysis supports that this missense variant does not alter protein structure/function; Has not been previously published as pathogenic or benign to our knowledge